The following is an entry in ClinVar:

ClinVar aggregate classification (germline): Pathogenic (1 of 4 stars; one submission).

Conditions:
Hereditary nonpolyposis colon cancer (HNPCC). Also called: Hereditary nonpolyposis colorectal cancer; Familial nonpolyposis colon cancer; Hereditary Nonpolyposis Colorectal Cancer Syndrome. Identifiers: Orphanet 443909, MedGen C1333990, MONDO:0018630. Disease mechanism: loss of function.

Submission:

Women's Health and Genetics/Laboratory Corporation of America, LabCorp
Classification: Pathogenic for Hereditary nonpolyposis colon cancer. Last evaluated: 2025-07-11. Review status: criteria provided, single submitter. Criteria: LabCorp Variant Classification Summary - May 2015. Collection method: clinical testing. Allele origin: germline.
Comment: Variant summary: The variant involves the deletion of exons 2-15 in the PMS2 gene. A presumed nomenclature of c.(23+1_24-1)_(*2475_?)del has been designated for the purposes of this classification. The exact breakpoint at the distal 3' end of this variant is unknown, therefore this deletion may extend downstream of the annotated region of the gene. As it encompasses the termination codon, it is predicted to escape nonsense mediated decay (NMD). The variant was absent in 124268 control chromosomes in the gnomAD database (Structural Variants v4.1 dataset). Deletion of exons 2-15 in the PMS2 gene has been reported in the literature in individual(s) affected with tumors belonging to the Lynch Syndrome spectrum (e.g. ten Broeke_2015). To our knowledge, no experimental evidence demonstrating an impact on protein function has been reported. The following publication has been ascertained in the context of this evaluation (PMID: 25512458). No submitters have cited clinical-significance assessments for this variant to ClinVar. Based on the evidence outlined above, the variant was classified as pathogenic.

Literature cited by the submitters: PubMed 25512458.

NC_000007.13:g.(?_6010555)_(6045663_6048627)del

Gene: PMS2 (PMS1 homolog 2, mismatch repair system component; minus strand). Cytogenetic location: 7p22.1.
Variant type: Deletion.
Identifiers: ClinVar variation 4525971 (VCV004525971.1).